The following is an entry in ClinVar:

ClinVar aggregate classification (germline): Pathogenic (1 of 4 stars; one submission).

Conditions:
Familial cancer of breast. Also called: hereditary breast carcinoma; Hereditary breast cancer; BREAST CANCER, FAMILIAL. Identifiers: Orphanet 227535, MedGen C0346153, MONDO:0016419, OMIM 114480. Disease mechanism: loss of function.

Submission:

Labcorp Genetics (formerly Invitae), Labcorp
Classification: Pathogenic for Familial cancer of breast. Last evaluated: 2019-09-21. Review status: criteria provided, single submitter. Criteria: Invitae Variant Classification Sherloc (09022015). Collection method: clinical testing. Allele origin: germline.
Comment: For these reasons, this variant has been classified as Pathogenic. Loss-of-function variants in CHEK2 are known to be pathogenic (PMID: 21876083, 24713400). This variant has not been reported in the literature in individuals with CHEK2-related conditions. This variant is not present in population databases (ExAC no frequency). This sequence change creates a premature translational stop signal (p.Pro90Serfs*18) in the CHEK2 gene. It is expected to result in an absent or disrupted protein product.

Literature cited by the submitters: PubMed 21876083; PubMed 24713400.

NM_007194.4(CHEK2):c.267_268insT (p.Pro90fs)

Gene: CHEK2 (checkpoint kinase 2; minus strand). Cytogenetic location: 22q12.1.
Variant type: Insertion.
Coding change: c.267_268insT on transcript NM_007194.4 (MANE Select); coding-DNA positions 267 to 268, T inserted.
Protein change: p.Pro90fs; shifts the reading frame from proline 90.
Molecular consequence: frameshift variant.
Genome position: GRCh38 VCF-style: chr22-28734454-G-GA. GRCh37 (hg19) VCF-style: chr22-29130442-G-GA.
Other names: c.267_268insT, p.Pro90Serfs (NM_145862.3, NM_001005735.3, NM_001349956.3); c.-511_-510insT (NM_001257387.3); short protein forms P90fs.
Identifiers: ClinVar variation 956583 (VCV000956583.8), dbSNP rs2054315696, ClinGen allele CA1139666999.